The following is an entry in ClinVar:

NM_000359.3(TGM1):c.578G>A (p.Trp193Ter)

Gene: TGM1 (transglutaminase 1; minus strand). Cytogenetic location: 14q12.
Variant type: single nucleotide variant.
Coding change: c.578G>A on transcript NM_000359.3 (MANE Select); coding-DNA position 578, G replaced by A.
Protein change: p.Trp193Ter; replaces tryptophan 193 with a stop codon.
Molecular consequence: nonsense.
Genome position (GRCh38, 1-based): chr14:24,260,629, C>T on the plus strand (G>A on the coding strand, the complement: TGM1 is on the minus strand). VCF-style: chr14-24260629-C-T. GRCh37 (hg19) VCF-style: chr14-24729835-C-T.
Other names: short protein forms W193*.
Identifiers: ClinVar variation 2679182 (VCV002679182.4), dbSNP rs2502506005, ClinGen allele CA389273855.

ClinVar aggregate classification (germline): Pathogenic. Review status: criteria provided, multiple submitters, no conflicts (2 of 4 stars). 2 submissions from 2 submitters: Pathogenic (2). Last evaluated 2023-03-26.

Conditions:
Autosomal recessive congenital ichthyosis 1 (LI1). Also called: COLLODION FETUS; DESQUAMATION OF NEWBORN; ICHTHYOSIS, CONGENITAL, AUTOSOMAL RECESSIVE 1, WITH BATHING SUIT DISTRIBUTION; ICHTHYOSIS, CONGENITAL, AUTOSOMAL RECESSIVE 1, WITH OR WITHOUT BATHING SUIT DISTRIBUTION; ICHTHYOSIS CONGENITA; ICHTHYOSIS CONGENITA II. Identifiers: MedGen C4551630, MONDO:0009441, OMIM 242300.

Submissions (2):

Labcorp Genetics (formerly Invitae), Labcorp
Classification: Pathogenic. Last evaluated: 2023-03-26. Review status: criteria provided, single submitter. Criteria: Invitae Variant Classification Sherloc (09022015). Collection method: clinical testing. Allele origin: germline.
Comment: This sequence change creates a premature translational stop signal (p.Trp193*) in the TGM1 gene. It is expected to result in an absent or disrupted protein product. Loss-of-function variants in TGM1 are known to be pathogenic (PMID: 18948357, 19241467). This variant is not present in population databases (gnomAD no frequency). This premature translational stop signal has been observed in individual(s) with clinical features of congenital ichthyosis (PMID: 20021785). For these reasons, this variant has been classified as Pathogenic.

Baylor Genetics
Classification: Pathogenic for Autosomal recessive congenital ichthyosis 1. Last evaluated: 2023-03-14. Review status: criteria provided, single submitter. Criteria: ACMG Guidelines, 2015. Collection method: clinical testing. Allele origin: unknown.

Literature cited by the submitters: PubMed 18948357 (cited by Labcorp Genetics (formerly Invitae), Labcorp); PubMed 19241467 (cited by Labcorp Genetics (formerly Invitae), Labcorp); PubMed 20021785 (cited by Labcorp Genetics (formerly Invitae), Labcorp).